The following is an entry in ClinVar:

ClinVar aggregate classification (germline): Benign (0 of 4 stars; one submission).

Conditions:
LRP1B-related disorder. Also called: LRP1B-related condition.

Allele frequency attached by ClinVar (database versions not stated): 1000 Genomes Project 30x 0.53186; 1000 Genomes Project 0.53654; TOPMed 0.56315; ESP Exome Variant Server 0.56812; gnomAD 0.58597; ExAC 0.64646; gnomAD exomes 0.67725.
gnomAD v4.1: 1,070,055 of 1,603,208 alleles (67%); highest among the groups gnomAD compares: Non-Finnish European, 69%; 363,130 homozygotes.

Submission:

PreventionGenetics, part of Exact Sciences
Classification: Benign for LRP1B-related condition. Last evaluated: 2019-10-17. Review status: no assertion criteria provided. Collection method: clinical testing. Allele origin: germline.
Comment: This variant is classified as benign based on ACMG/AMP sequence variant interpretation guidelines (Richards et al. 2015 PMID: 25741868, with internal and published modifications).

NM_018557.3(LRP1B):c.2968+10A>C

Gene: LRP1B (LDL receptor related protein 1B; minus strand). Cytogenetic location: 2q22.1.
Variant type: single nucleotide variant.
Coding change: c.2968+10A>C on transcript NM_018557.3 (MANE Select); 10 bases into the intron after coding-DNA position 2968, A replaced by C.
Molecular consequence: intron variant.
Genome position (GRCh38, 1-based): chr2:140,951,850, T>G on the plus strand (A>C on the coding strand, the complement: LRP1B is on the minus strand). VCF-style: chr2-140951850-T-G. GRCh37 (hg19) VCF-style: chr2-141709419-T-G.
Identifiers: ClinVar variation 3059850 (VCV003059850.2), dbSNP rs1429348, ClinGen allele CA1895563.